The following is an entry in ClinVar:

NM_001394062.1(MACF1):c.3230A>C (p.Asp1077Ala)

Gene: MACF1 (microtubule actin crosslinking factor 1; plus strand). Cytogenetic location: 1p34.3.
Variant type: single nucleotide variant.
Coding change: c.3230A>C on transcript NM_001394062.1 (MANE Select); coding-DNA position 3230, A replaced by C.
Protein change: p.Asp1077Ala; replaces aspartic acid 1077 with alanine.
Molecular consequence: missense variant.
Genome position (GRCh38, 1-based): chr1:39,310,960, A>C. VCF-style: chr1-39310960-A-C. GRCh37 (hg19) VCF-style: chr1-39776632-A-C.
Other names: c.3245A>C, p.Asp1082Ala (NM_012090.5); short protein forms D1077A, D1082A.
Identifiers: ClinVar variation 5020595 (VCV005020595.1).

ClinVar aggregate classification (germline): Uncertain significance (1 of 4 stars; one submission).

Submission:

Dasa
Classification: Uncertain significance. Last evaluated: 2026-05-08. Review status: criteria provided, single submitter. Criteria: DASA Assertion Criteria. Collection method: clinical testing. Allele origin: germline.
Comment: NM_001394062.1(MACF1):c.3230A>C (p.Asp1077Ala) is a missense variant that results in the substitution of aspartic acid with alanine. This variant is rare in population databases. The currently available literature and clinical evidence are not sufficient to establish a definitive association between this variant and the reported condition. Therefore, this variant is classified as a variant of uncertain significance.